The following is an entry in ClinVar:

NM_001035.3(RYR2):c.8515-5T>G

Gene: RYR2 (ryanodine receptor 2; plus strand). Cytogenetic location: 1q43.
Variant type: single nucleotide variant.
Coding change: c.8515-5T>G on transcript NM_001035.3 (MANE Select); 5 bases into the intron before coding-DNA position 8515, T replaced by G.
Molecular consequence: intron variant.
Genome position (GRCh38, 1-based): chr1:237,667,878, T>G. VCF-style: chr1-237667878-T-G. GRCh37 (hg19) VCF-style: chr1-237831178-T-G.
Identifiers: ClinVar variation 3232413 (VCV003232413.2), dbSNP rs145363238, ClinGen allele CA39813827.
Genomic context (GRCh38, chr1:237,667,878, plus strand): 5'-TATATTAGAAAGCAATATTATCCTTTTTTACTTATTGAAACGATAAATATTTTTGTTCAT[T>G]TAAGGCTATGGCAGAAATGATGGCTGAAAACTACCATAATATATGGGCAAAGAAAAAGAA-3'

ClinVar aggregate classification (germline): Uncertain significance. Review status: criteria provided, multiple submitters, no conflicts (2 of 4 stars). 2 submissions from 2 submitters: Uncertain significance (2). Last evaluated 2025-09-15.

Conditions:
Cardiovascular phenotype. Identifiers: MedGen CN230736.
Catecholaminergic polymorphic ventricular tachycardia 1. Also called: VENTRICULAR TACHYCARDIA, CATECHOLAMINERGIC POLYMORPHIC, 1, WITH OR WITHOUT ATRIAL DYSFUNCTION AND/OR DILATED CARDIOMYOPATHY; VENTRICULAR TACHYCARDIA, STRESS-INDUCED POLYMORPHIC 1; RYR2-Related Catecholaminergic Polymorphic Ventricular Tachycardia. Identifiers: Orphanet 3286, MedGen C1631597, MONDO:0011484, OMIM 604772.

Allele frequency attached by ClinVar (database versions not stated): gnomAD exomes below 0.00001; TOPMed below 0.00001; gnomAD 0.00001; 1000 Genomes Project 30x 0.00016; 1000 Genomes Project 0.00020.
gnomAD v4.1: 2 of 1,569,372 alleles (0.00013%); highest among the groups gnomAD compares: East Asian, 0.0023%; no homozygotes.

Submissions (2):

Labcorp Genetics (formerly Invitae), Labcorp
Classification: Uncertain significance for Catecholaminergic polymorphic ventricular tachycardia 1. Last evaluated: 2025-09-15. Review status: criteria provided, single submitter. Criteria: Invitae Variant Classification Sherloc (09022015). Collection method: clinical testing. Allele origin: germline.
Comment: This sequence change falls in intron 57 of the RYR2 gene. It does not directly change the encoded amino acid sequence of the RYR2 protein. This variant is not present in population databases (gnomAD no frequency). This variant has not been reported in the literature in individuals affected with RYR2-related conditions. ClinVar contains an entry for this variant (Variation ID: 3232413). Algorithms developed to predict the effect of sequence changes on RNA splicing suggest that this variant may disrupt the consensus splice site. In summary, the available evidence is currently insufficient to determine the role of this variant in disease. Therefore, it has been classified as a Variant of Uncertain Significance.

Ambry Genetics
Classification: Uncertain significance for Cardiovascular phenotype. Last evaluated: 2023-12-26. Review status: criteria provided, single submitter. Criteria: Ambry Variant Classification Scheme 2023. Collection method: clinical testing. Allele origin: germline.
Comment: The c.8515-5T>G intronic variant results from a T to G substitution 5 nucleotides upstream from coding exon 58 in the RYR2 gene. This nucleotide position is well conserved in available vertebrate species. In silico splice site analysis predicts that this alteration may weaken the native splice acceptor site. Since supporting evidence is limited at this time, the clinical significance of this alteration remains unclear.